The following is an entry in ClinVar:

ClinVar aggregate classification (germline): Pathogenic (1 of 4 stars; one submission).

Submission:

ISCA site 4
Classification: Pathogenic. Last evaluated: 2011-08-12. Review status: criteria provided, single submitter. Criteria: Kaminsky et al. (Genet Med. 2011). Collection method: clinical testing. Allele origin: unknown. Affected: yes. Observed: 1 variant allele.
Comment: Copy number variation identified through the course of routine clinical cytogenomic testing in postnatal populations. Clinical assertions have been curated as described in Kaminsky et al. 2011.

GRCh38/hg38 18q21.31-23(chr18:56618038-80252149)x1

Genes: MALT1 (MALT1 paracaspase; plus strand), MALT1-AS1 (MALT1 antisense RNA 1; minus strand), MBP (myelin basic protein; minus strand), MBP-AS1 (MBP antisense RNA 1; plus strand), MC4R (melanocortin 4 receptor; minus strand) and 572 more. Cytogenetic location: 18q21.31-23.
Variant type: copy number loss.
Change: copy number 1 (one copy instead of two) of chr18:56,618,038-80,252,149 (23.63 Mb, GRCh38 coordinates, 1-based), cytogenetic band 18q21.31-23.
Identifiers: ClinVar variation 57345 (VCV000057345.1).